The following is an entry in ClinVar:

NM_000143.4(FH):c.89G>C (p.Gly30Ala)

Gene: FH (fumarate hydratase; minus strand). Cytogenetic location: 1q43.
Variant type: single nucleotide variant.
Coding change: c.89G>C on transcript NM_000143.4 (MANE Select); coding-DNA position 89, G replaced by C.
Protein change: p.Gly30Ala; replaces glycine 30 with alanine.
Molecular consequence: missense variant.
Genome position (GRCh38, 1-based): chr1:241,519,634, C>G on the plus strand (G>C on the coding strand, the complement: FH is on the minus strand). VCF-style: chr1-241519634-C-G. GRCh37 (hg19) VCF-style: chr1-241682934-C-G.
Other names: short protein forms G30A.
Identifiers: ClinVar variation 3633853 (VCV003633853.2).

ClinVar aggregate classification (germline): Uncertain significance (1 of 4 stars; one submission).

Submission:

Labcorp Genetics (formerly Invitae), Labcorp
Classification: Uncertain significance. Last evaluated: 2024-03-23. Review status: criteria provided, single submitter. Criteria: Invitae Variant Classification Sherloc (09022015). Collection method: clinical testing. Allele origin: germline.
Comment: This sequence change replaces glycine, which is neutral and non-polar, with alanine, which is neutral and non-polar, at codon 30 of the FH protein (p.Gly30Ala). This variant is not present in population databases (gnomAD no frequency). This variant has not been reported in the literature in individuals affected with FH-related conditions. Advanced modeling of protein sequence and biophysical properties (such as structural, functional, and spatial information, amino acid conservation, physicochemical variation, residue mobility, and thermodynamic stability) performed at Invitae indicates that this missense variant is not expected to disrupt FH protein function with a negative predictive value of 95%. In summary, the available evidence is currently insufficient to determine the role of this variant in disease. Therefore, it has been classified as a Variant of Uncertain Significance.